The following is an entry in ClinVar:

ClinVar aggregate classification (germline): Conflicting classifications of pathogenicity. Review status: criteria provided, conflicting classifications (1 of 4 stars). 7 submissions from 7 submitters: Uncertain significance (2); Likely benign (3). 2 of the submissions do not count toward it. Last evaluated 2025-12-17.

Conditions:
TTN-related disorder. Also called: TTN-related condition; TTN-related disease; TTN-related disorders.
Cardiovascular phenotype. Identifiers: MedGen CN230736.

Allele frequency attached by ClinVar (database versions not stated): gnomAD 0.00002; ExAC 0.00004; gnomAD exomes 0.00005; TOPMed 0.00005; ESP Exome Variant Server 0.00008.
gnomAD v4.1: 47 of 1,613,284 alleles (0.0029%); highest among the groups gnomAD compares: South Asian, 0.0099%; no homozygotes.

Submissions (7):

PreventionGenetics, part of Exact Sciences
Classification: Uncertain significance for TTN-related condition. Last evaluated: 2025-12-17. Review status: criteria provided, single submitter. Criteria: ACMG Guidelines, 2015. Collection method: clinical testing. Allele origin: germline.
Comment: The TTN c.74413G>A variant is predicted to result in the amino acid substitution p.Val24805Ile. To our knowledge, this variant has not been reported in the literature. This variant is reported in 0.012% of alleles in individuals of African descent in gnomAD. At this time, the clinical significance of this variant is uncertain due to the absence of conclusive functional and genetic evidence.

Ambry Genetics
Classification: Likely benign for Cardiovascular phenotype. Last evaluated: 2022-10-01. Review status: criteria provided, single submitter. Criteria: Ambry Variant Classification Scheme 2023. Collection method: clinical testing. Allele origin: germline.

Blueprint Genetics
Classification: Likely benign. Last evaluated: 2022-07-19. Review status: criteria provided, single submitter. Criteria: ACMG Guidelines, 2015. Collection method: clinical testing. Allele origin: germline.

GeneDx
Classification: Likely benign. Last evaluated: 2021-06-17. Review status: criteria provided, single submitter. Criteria: GeneDx Variant Classification Process June 2021. Collection method: clinical testing. Allele origin: germline. Affected: yes.

Revvity Omics, Revvity
Classification: Uncertain significance. Last evaluated: 2020-09-02. Review status: criteria provided, single submitter. Criteria: ACMG Guidelines, 2015. Collection method: clinical testing. Allele origin: germline.

Clinical Genetics, Academic Medical Center
Classification: Uncertain significance. Review status: no assertion criteria provided. Collection method: clinical testing. Allele origin: germline. Affected: yes. Study: VKGL Data-share Consensus. Not counted in ClinVar's aggregate classification.

Diagnostic Laboratory, Department of Genetics, University Medical Center Groningen
Classification: Uncertain significance. Review status: no assertion criteria provided. Collection method: clinical testing. Allele origin: germline. Affected: yes. Study: VKGL Data-share Consensus. Not counted in ClinVar's aggregate classification.

NM_001267550.2(TTN):c.74413G>A (p.Val24805Ile)

Genes: TTN (titin; minus strand), TTN-AS1 (TTN antisense RNA 1; plus strand). Cytogenetic location: 2q31.2.
Variant type: single nucleotide variant.
Coding change: c.74413G>A on transcript NM_001267550.2 (MANE Select); coding-DNA position 74413, G replaced by A.
Protein change: p.Val24805Ile; replaces valine 24805 with isoleucine.
Molecular consequence: missense variant.
Genome position (GRCh38, 1-based): chr2:178,571,719, C>T on the plus strand (G>A on the coding strand, the complement: TTN is on the minus strand). VCF-style: chr2-178571719-C-T. GRCh37 (hg19) VCF-style: chr2-179436446-C-T.
Other names: c.69490G>A, p.Val23164Ile (NM_001256850.1); c.47218G>A, p.Val15740Ile (NM_003319.4); c.66709G>A, p.Val22237Ile (NM_133378.4); c.47593G>A, p.Val15865Ile (NM_133432.3); c.47794G>A, p.Val15932Ile (NM_133437.4); short protein forms V15740I, V15865I, V15932I, V22237I, V23164I, V24805I.
Identifiers: ClinVar variation 1218956 (VCV001218956.12), dbSNP rs371306826, ClinGen allele CA1990198.